The following is an entry in ClinVar:

ClinVar aggregate classification (germline): Uncertain significance (1 of 4 stars; one submission).

Allele frequency attached by ClinVar (database versions not stated): gnomAD 0.00002 and 0.00003; TOPMed 0.00002.
gnomAD v4.1: 4 of 1,607,310 alleles (0.00025%); highest among the groups gnomAD compares: Admixed American, 0.0051%; no homozygotes.

Submission:

GeneDx
Classification: Uncertain significance. Last evaluated: 2019-12-23. Review status: criteria provided, single submitter. Criteria: GeneDx Variant Classification Process June 2021. Collection method: clinical testing. Allele origin: germline. Affected: yes.
Comment: Not observed in large population cohorts (Lek et al., 2016); In silico analysis, which includes protein predictors and evolutionary conservation, supports a deleterious effect; Has not been previously published as pathogenic or benign to our knowledge

NM_001080414.4(CCDC88C):c.1088A>G (p.Lys363Arg)

Gene: CCDC88C (coiled-coil domain containing 88C; minus strand). Cytogenetic location: 14q32.11.
Variant type: single nucleotide variant.
Coding change: c.1088A>G on transcript NM_001080414.4 (MANE Select); coding-DNA position 1088, A replaced by G.
Protein change: p.Lys363Arg; replaces lysine 363 with arginine.
Molecular consequence: missense variant.
Genome position (GRCh38, 1-based): chr14:91,326,019, T>C on the plus strand (A>G on the coding strand, the complement: CCDC88C is on the minus strand). VCF-style: chr14-91326019-T-C. GRCh37 (hg19) VCF-style: chr14-91792363-T-C.
Other names: short protein forms K363R.
Identifiers: ClinVar variation 1311695 (VCV001311695.2), dbSNP rs1939770290, ClinGen allele CA390637464.